The following is an entry in ClinVar:

NM_003482.4(KMT2D):c.10192A>C (p.Met3398Leu)

Gene: KMT2D (lysine methyltransferase 2D; minus strand). Cytogenetic location: 12q13.12.
Variant type: single nucleotide variant.
Coding change: c.10192A>C on transcript NM_003482.4 (MANE Select); coding-DNA position 10192, A replaced by C.
Protein change: p.Met3398Leu; replaces methionine 3398 with leucine.
Molecular consequence: missense variant.
Genome position (GRCh38, 1-based): chr12:49,037,164, T>G on the plus strand (A>C on the coding strand, the complement: KMT2D is on the minus strand). VCF-style: chr12-49037164-T-G. GRCh37 (hg19) VCF-style: chr12-49430947-T-G.
Other names: short protein forms M3398L.
Identifiers: ClinVar variation 376901 (VCV000376901.12), dbSNP rs75937132, ClinGen allele CA6546590.

ClinVar aggregate classification (germline): Conflicting classifications of pathogenicity. Review status: criteria provided, conflicting classifications (1 of 4 stars). 2 submissions from 2 submitters: Uncertain significance (1); Likely benign (1). Last evaluated 2025-08-29.

Conditions:
Kabuki syndrome. Also called: Kabuki make-up syndrome; NIIKAWA-KUROKI SYNDROME. Identifiers: Orphanet 2322, MedGen C0796004, MONDO:0016512.

Allele frequency attached by ClinVar (database versions not stated): TOPMed 0.00002.
gnomAD v4.1: 10 of 1,592,044 alleles (0.00063%); highest among the groups gnomAD compares: African/African-American, 0.0013%; no homozygotes.

Submissions (2):

Labcorp Genetics (formerly Invitae), Labcorp
Classification: Likely benign for Kabuki syndrome. Last evaluated: 2025-08-29. Review status: criteria provided, single submitter. Criteria: Invitae Variant Classification Sherloc (09022015). Collection method: clinical testing. Allele origin: germline.

Center for Pediatric Genomic Medicine, Children's Mercy Hospital and Clinics
Classification: Uncertain significance. Last evaluated: 2017-01-27. Review status: criteria provided, single submitter. Criteria: ACMG Guidelines, 2015. Collection method: clinical testing. Allele origin: germline.
ClinVar note: Converted during submission from Uncertain Significance to Uncertain significance.